The following is an entry in ClinVar:

NM_002691.4(POLD1):c.601T>A (p.Tyr201Asn)

Gene: POLD1 (DNA polymerase delta 1, catalytic subunit; plus strand). Cytogenetic location: 19q13.33.
Variant type: single nucleotide variant.
Coding change: c.601T>A on transcript NM_002691.4 (MANE Select); coding-DNA position 601, T replaced by A.
Protein change: p.Tyr201Asn; replaces tyrosine 201 with asparagine.
Molecular consequence: missense variant. On other transcripts: non-coding transcript variant (1).
Genome position (GRCh38, 1-based): chr19:50,402,216, T>A. VCF-style: chr19-50402216-T-A. GRCh37 (hg19) VCF-style: chr19-50905473-T-A.
Other names: c.601T>A, p.Tyr201Asn (NM_001256849.1, NM_001308632.1); short protein forms Y201N.
Identifiers: ClinVar variation 2811871 (VCV002811871.3), dbSNP rs878854555, ClinGen allele CA406973793.

ClinVar aggregate classification (germline): Uncertain significance (1 of 4 stars; one submission).

Conditions:
POLD1-related polyposis and colorectal cancer syndrome (CRCS10). Also called: Colorectal cancer 10; Colorectal cancer, susceptibility to, 10; COLORECTAL CANCER, SUSCEPTIBILITY TO, ON CHROMOSOME 19q. Identifiers: Orphanet 220460, MedGen C2675481, MONDO:0012953, OMIM 612591.

Submission:

Labcorp Genetics (formerly Invitae), Labcorp
Classification: Uncertain significance for POLD1-related polyposis and colorectal cancer syndrome. Last evaluated: 2022-11-03. Review status: criteria provided, single submitter. Criteria: Invitae Variant Classification Sherloc (09022015). Collection method: clinical testing. Allele origin: germline.
Comment: In summary, the available evidence is currently insufficient to determine the role of this variant in disease. Therefore, it has been classified as a Variant of Uncertain Significance. Advanced modeling of protein sequence and biophysical properties (such as structural, functional, and spatial information, amino acid conservation, physicochemical variation, residue mobility, and thermodynamic stability) has been performed at Invitae for this missense variant, however the output from this modeling did not meet the statistical confidence thresholds required to predict the impact of this variant on POLD1 protein function. This variant has not been reported in the literature in individuals affected with POLD1-related conditions. This variant is not present in population databases (gnomAD no frequency). This sequence change replaces tyrosine, which is neutral and polar, with asparagine, which is neutral and polar, at codon 201 of the POLD1 protein (p.Tyr201Asn).